The following is an entry in ClinVar:

NM_000103.4(CYP19A1):c.*53C>T

Genes: CYP19A1 (cytochrome P450 family 19 subfamily A member 1; minus strand), PIRC66 (piwi-interacting RNA cluster 66; plus strand), MIR4713HG (MIR4713 host gene; plus strand). Cytogenetic location: 15q21.2.
Variant type: single nucleotide variant.
Coding change: c.*53C>T on transcript NM_000103.4 (MANE Select); 53 bases downstream of the stop codon, C replaced by T.
Molecular consequence: 3 prime UTR variant.
Genome position (GRCh38, 1-based): chr15:51,210,755, G>A on the plus strand (C>T on the coding strand, the complement: CYP19A1 is on the minus strand). VCF-style: chr15-51210755-G-A. GRCh37 (hg19) VCF-style: chr15-51502952-G-A.
Other names: c.*53C>T (NM_001347248.1, NM_001347249.2, NM_001347250.2 and 7 more transcripts).
Identifiers: ClinVar variation 886337 (VCV000886337.4), dbSNP rs527749263, ClinGen allele CA270548093.

ClinVar aggregate classification (germline): Likely benign (1 of 4 stars; one submission).

Conditions:
Aromatase deficiency. Also called: Increased aromatase activity; PSEUDOHERMAPHRODITISM, FEMALE, DUE TO PLACENTAL AROMATASE DEFICIENCY. Identifiers: Orphanet 91, MedGen C1960539, MONDO:0013301, OMIM 613546.

Allele frequency attached by ClinVar (database versions not stated): gnomAD 0.00003 and 0.00004; TOPMed 0.00003; 1000 Genomes Project 0.00040; 1000 Genomes Project 30x 0.00047.
gnomAD v4.1: 23 of 1,155,006 alleles (0.002%); highest among the groups gnomAD compares: East Asian, 0.044%; no homozygotes.

Submission:

Illumina Laboratory Services, Illumina
Classification: Likely benign for Aromatase deficiency. Last evaluated: 2018-01-13. Review status: criteria provided, single submitter. Criteria: ICSL Variant Classification Criteria 13 December 2019. Collection method: clinical testing. Allele origin: germline.
Comment: This variant was observed in the ICSL laboratory as part of a predisposition screen in an ostensibly healthy population. It had not been previously curated by ICSL or reported in the Human Gene Mutation Database (HGMD: prior to June 1st, 2018), and was therefore a candidate for classification through an automated scoring system. Utilizing variant allele frequency, disease prevalence and penetrance estimates, and inheritance mode, an automated score was calculated to assess if this variant is too frequent to cause the disease. Based on the score and internal cut-off values, a variant classified as likely benign is not then subjected to further curation. The score for this variant resulted in a classification of likely benign for this disease.